The following is an entry in ClinVar:

NM_206926.2(SELENON):c.1193C>T (p.Pro398Leu)

Gene: SELENON (selenoprotein N; plus strand). Cytogenetic location: 1p36.11.
Variant type: single nucleotide variant.
Coding change: c.1193C>T on transcript NM_206926.2 (MANE Select); coding-DNA position 1193, C replaced by T.
Protein change: p.Pro398Leu; replaces proline 398 with leucine.
Molecular consequence: missense variant.
Genome position (GRCh38, 1-based): chr1:25,812,700, C>T. VCF-style: chr1-25812700-C-T. GRCh37 (hg19) VCF-style: chr1-26139191-C-T.
Other names: c.1295C>T, p.Pro432Leu (NM_020451.3); short protein forms P432L, P398L.
Identifiers: ClinVar variation 876389 (VCV000876389.32), dbSNP rs199920149, ClinGen allele CA696822.

ClinVar aggregate classification (germline): Uncertain significance. Review status: criteria provided, multiple submitters, no conflicts (2 of 4 stars). 6 submissions from 6 submitters: Uncertain significance (6). Last evaluated 2025-03-18.

Conditions:
Inborn genetic diseases. Identifiers: MedGen C0950123, MeSH D030342.
Eichsfeld type congenital muscular dystrophy (CMYO3). Also called: Rigid spine muscular dystrophy 1; MYOPATHY, SEPN1-RELATED; SELENON-related myopathy; Congenital myopathy 3 with rigid spine. Identifiers: MedGen C0410180, MONDO:0100100, OMIM 602771.
SEPN1-related disorder. Also called: SEPN1-Related Disorders. Identifiers: MedGen CN239420.

Allele frequency attached by ClinVar (database versions not stated): gnomAD exomes 0.00004 and 0.00013; ExAC 0.00011; gnomAD 0.00011; TOPMed 0.00011; 1000 Genomes Project 30x 0.00016.
gnomAD v4.1: 71 of 1,611,642 alleles (0.0044%); highest among the groups gnomAD compares: East Asian, 0.074%; no homozygotes.

Submissions (6):

Revvity Omics, Revvity
Classification: Uncertain significance for Eichsfeld type congenital muscular dystrophy. Last evaluated: 2025-03-18. Review status: criteria provided, single submitter. Criteria: ACMG Guidelines, 2015. Collection method: clinical testing. Allele origin: germline.

CeGaT Center for Human Genetics Tuebingen
Classification: Uncertain significance. Last evaluated: 2024-03-01. Review status: criteria provided, single submitter. Criteria: CeGaT Center For Human Genetics Tuebingen Variant Classification Criteria Version 2. Collection method: clinical testing. Allele origin: germline. Affected: yes. Observed: 1 variant allele.
Comment: SELENON: PM2, PM3:Supporting

Ambry Genetics
Classification: Uncertain significance for Inborn genetic diseases. Last evaluated: 2023-12-18. Review status: criteria provided, single submitter. Criteria: Ambry Variant Classification Scheme 2023. Collection method: clinical testing. Allele origin: germline.

Labcorp Genetics (formerly Invitae), Labcorp
Classification: Uncertain significance for Eichsfeld type congenital muscular dystrophy. Last evaluated: 2022-08-15. Review status: criteria provided, single submitter. Criteria: Invitae Variant Classification Sherloc (09022015). Collection method: clinical testing. Allele origin: germline.
Comment: This sequence change replaces proline, which is neutral and non-polar, with leucine, which is neutral and non-polar, at codon 432 of the SELENON protein (p.Pro432Leu). This variant is present in population databases (rs199920149, gnomAD 0.1%). This variant has not been reported in the literature in individuals affected with SELENON-related conditions. ClinVar contains an entry for this variant (Variation ID: 876389). Algorithms developed to predict the effect of missense changes on protein structure and function (SIFT, PolyPhen-2, Align-GVGD) all suggest that this variant is likely to be disruptive. In summary, the available evidence is currently insufficient to determine the role of this variant in disease. Therefore, it has been classified as a Variant of Uncertain Significance.

Illumina Laboratory Services, Illumina
Classification: Uncertain significance for SEPN1-Related Disorders. Last evaluated: 2018-01-12. Review status: criteria provided, single submitter. Criteria: ICSL Variant Classification Criteria 13 December 2019. Collection method: clinical testing. Allele origin: germline.

Juno Genomics, Hangzhou Juno Genomics, Inc
Classification: Uncertain significance for Eichsfeld type congenital muscular dystrophy. Review status: criteria provided, single submitter. Criteria: ACMG Guidelines, 2015. Collection method: clinical testing. Allele origin: germline.
Comment: Absent from controls (or at extremely low frequency if recessive) in Genome Aggregation Database.;Multiple lines of computational evidence support a deleterious effect on the gene or gene product.